The following is an entry in ClinVar:

ClinVar aggregate classification (germline): Uncertain significance (1 of 4 stars; one submission).

Conditions:
NR0B2-related disorder. Also called: NR0B2-related condition.

Submission:

PreventionGenetics, part of Exact Sciences
Classification: Uncertain significance for NR0B2-related condition. Last evaluated: 2026-01-28. Review status: criteria provided, single submitter. Criteria: ACMG Guidelines, 2015. Collection method: clinical testing. Allele origin: germline.
Comment: The NR0B2 c.28C>T variant is predicted to result in the amino acid substitution p.Pro10Ser. To our knowledge, this variant has not been reported in the literature or in a large population database (gnomAD), indicating this variant is rare. At this time, the clinical significance of this variant is uncertain due to the absence of conclusive functional and genetic evidence.

NM_021969.3(NR0B2):c.28C>T (p.Pro10Ser)

Genes: NR0B2 (nuclear receptor subfamily 0 group B member 2; minus strand), NUDC (nuclear distribution C, dynein complex regulator; plus strand). Cytogenetic location: 1p36.11.
Variant type: single nucleotide variant.
Coding change: c.28C>T on transcript NM_021969.3 (MANE Select); coding-DNA position 28, C replaced by T.
Protein change: p.Pro10Ser; replaces proline 10 with serine.
Molecular consequence: missense variant.
Genome position (GRCh38, 1-based): chr1:26,913,913, G>A on the plus strand (C>T on the coding strand, the complement: NR0B2 is on the minus strand). VCF-style: chr1-26913913-G-A. GRCh37 (hg19) VCF-style: chr1-27240404-G-A.
Other names: short protein forms P10S.
Identifiers: ClinVar variation 4978042 (VCV004978042.1).
Genomic context (GRCh38, chr1:26,913,913, plus strand): 5'-TGAGGCTGGAGCTCAGAAGTGCGTAGAGAATGGCGGGGCGGCTTGCAGCTCCCTGGCATG[G>A]GCAGGCCCCTGGTTGGCTGGTGCTCATGGTTAGGGATCTGCTCTCACTTCCAGCTCTCTG-3'
Protein context (NP_068804.1, residues 1-20): MSTSQPGAC[Pro10Ser]CQGAASRPAI